The following is an entry in ClinVar:

NM_001048174.2(MUTYH):c.1542C>A (p.His514Gln)

Gene: MUTYH (mutY DNA glycosylase; minus strand). Cytogenetic location: 1p34.1.
Variant type: single nucleotide variant.
Coding change: c.1542C>A on transcript NM_001048174.2 (MANE Select); coding-DNA position 1542, C replaced by A.
Protein change: p.His514Gln; replaces histidine 514 with glutamine.
Molecular consequence: missense variant. On other transcripts: non-coding transcript variant (7).
Genome position (GRCh38, 1-based): chr1:45,329,330, G>T on the plus strand (C>A on the coding strand, the complement: MUTYH is on the minus strand). VCF-style: chr1-45329330-G-T. GRCh37 (hg19) VCF-style: chr1-45795002-G-T.
Other names: c.1542C>A, p.His514Gln (NM_001048171.2, NM_001407070.1, NM_001407072.1 and 6 more transcripts); c.1197C>A, p.His399Gln (NM_001350651.2, NM_001350650.2, NM_001407082.1); c.1575C>A, p.His525Gln (NM_001407069.1, NM_001407077.1, NM_001293191.2); c.1545C>A, p.His515Gln (NM_001407071.1, NM_001407078.1, NM_001048172.2 and 1 more transcripts); c.1458C>A, p.His486Gln (NM_001407075.1); c.1503C>A, p.His501Gln (NM_001407079.1); c.1626C>A, p.His542Gln (NM_001128425.2); c.1587C>A, p.His529Gln (NM_001293190.2); and 5 more; short protein forms H514Q, H521Q, H500Q, H525Q, H399Q, H486Q, H515Q, H542Q.
Identifiers: ClinVar variation 4113459 (VCV004113459.1).

ClinVar aggregate classification (germline): Uncertain significance (1 of 4 stars; one submission).

Conditions:
Hereditary cancer-predisposing syndrome. Also called: Hereditary neoplastic syndrome; Neoplastic Syndromes, Hereditary; Tumor predisposition; Hereditary Cancer Syndrome. Identifiers: Orphanet 140162, MedGen C0027672, MeSH D009386, MONDO:0015356.

Submission:

Ambry Genetics
Classification: Uncertain significance for Hereditary cancer-predisposing syndrome. Last evaluated: 2025-08-27. Review status: criteria provided, single submitter. Criteria: Ambry Variant Classification Scheme 2023. Collection method: clinical testing. Allele origin: germline.
Comment: The p.H542Q variant (also known as c.1626C>A), located in coding exon 16 of the MUTYH gene, results from a C to A substitution at nucleotide position 1626. The histidine at codon 542 is replaced by glutamine, an amino acid with highly similar properties. This amino acid position is conserved. In addition, this alteration is predicted to be tolerated by in silico analysis. Based on the available evidence, the clinical significance of this variant remains unclear.